The following is an entry in ClinVar:

ClinVar aggregate classification (germline): Conflicting classifications of pathogenicity. Review status: criteria provided, conflicting classifications (1 of 4 stars). 3 submissions from 3 submitters: Uncertain significance (2); Likely benign (1). Last evaluated 2024-08-07.

Conditions:
Spinocerebellar ataxia, autosomal recessive, with axonal neuropathy 2 (SCAN2). Also called: Ataxia-ocular apraxia-2; ATAXIA-OCULOMOTOR APRAXIA 2; Ataxia with Oculomotor Apraxia; Ataxia with Oculomotor Apraxia Type 2. Identifiers: Orphanet 64753, MedGen C1853761, MONDO:0018996, OMIM 606002.
Amyotrophic lateral sclerosis type 4 (ALS4). Also called: AMYOTROPHIC LATERAL SCLEROSIS 4, JUVENILE; NEURONOPATHY, DISTAL HEREDITARY MOTOR, WITH PYRAMIDAL FEATURES. Identifiers: Orphanet 357043, MedGen C1865409, MONDO:0011223, OMIM 602433.

Allele frequency attached by ClinVar (database versions not stated): gnomAD 0.00001; TOPMed 0.00001.
gnomAD v4.1: 17 of 1,613,980 alleles (0.0011%); highest among the groups gnomAD compares: Non-Finnish European, 0.0012%; no homozygotes.

Submissions (3):

Blueprint Genetics
Classification: Uncertain significance. Last evaluated: 2024-08-07. Review status: criteria provided, single submitter. Criteria: ACMG Guidelines, 2015. Collection method: clinical testing. Allele origin: germline.

CeGaT Center for Human Genetics Tuebingen
Classification: Uncertain significance. Last evaluated: 2024-02-01. Review status: criteria provided, single submitter. Criteria: CeGaT Center For Human Genetics Tuebingen Variant Classification Criteria Version 2. Collection method: clinical testing. Allele origin: germline. Affected: yes. Observed: 2 variant alleles.
Comment: SETX: PM2:Supporting, BP4

Labcorp Genetics (formerly Invitae), Labcorp
Classification: Likely benign for Amyotrophic lateral sclerosis type 4; Spinocerebellar ataxia, autosomal recessive, with axonal neuropathy 2. Last evaluated: 2023-07-14. Review status: criteria provided, single submitter. Criteria: Invitae Variant Classification Sherloc (09022015). Collection method: clinical testing. Allele origin: germline.

NM_015046.7(SETX):c.3299A>C (p.Asn1100Thr)

Gene: SETX (senataxin; minus strand). Cytogenetic location: 9q34.13.
Variant type: single nucleotide variant.
Coding change: c.3299A>C on transcript NM_015046.7 (MANE Select); coding-DNA position 3299, A replaced by C.
Protein change: p.Asn1100Thr; replaces asparagine 1100 with threonine.
Molecular consequence: missense variant.
Genome position (GRCh38, 1-based): chr9:132,328,299, T>G on the plus strand (A>C on the coding strand, the complement: SETX is on the minus strand). VCF-style: chr9-132328299-T-G. GRCh37 (hg19) VCF-style: chr9-135203686-T-G.
Other names: c.3299A>C, p.Asn1100Thr (NM_001351527.2, NM_001351528.2); short protein forms N1100T.
Identifiers: ClinVar variation 853640 (VCV000853640.33), dbSNP rs545072717, ClinGen allele CA5297434.